The following is an entry in ClinVar:

NM_001999.4(FBN2):c.2516C>G (p.Pro839Arg)

Gene: FBN2 (fibrillin 2; minus strand). Cytogenetic location: 5q23.3.
Variant type: single nucleotide variant.
Coding change: c.2516C>G on transcript NM_001999.4 (MANE Select); coding-DNA position 2516, C replaced by G.
Protein change: p.Pro839Arg; replaces proline 839 with arginine.
Molecular consequence: missense variant.
Genome position (GRCh38, 1-based): chr5:128,361,761, G>C on the plus strand (C>G on the coding strand, the complement: FBN2 is on the minus strand). VCF-style: chr5-128361761-G-C. GRCh37 (hg19) VCF-style: chr5-127697454-G-C.
Other names: short protein forms P839R.
Identifiers: ClinVar variation 5009266 (VCV005009266.1).

ClinVar aggregate classification (germline): Uncertain significance (1 of 4 stars; one submission).

gnomAD v4.1: 12 of 1,614,104 alleles (0.00074%); highest among the groups gnomAD compares: Non-Finnish European, 0.00076%; no homozygotes.

Submission:

GeneDx
Classification: Uncertain significance. Last evaluated: 2026-03-17. Review status: criteria provided, single submitter. Criteria: GeneDx Variant Classification Process June 2021. Collection method: clinical testing. Allele origin: germline.
Comment: Not observed at significant frequency in large population cohorts (gnomAD); In silico analysis suggests that this missense variant does not alter protein structure/function; Has not been previously published as pathogenic or benign to our knowledge; Although located in a calcium-binding EGF-like domain of the FBN2 gene, it does not substitute or introduce a cysteine residue (PMID: 19006240, 18767143); This variant is associated with the following publications: (PMID: 19006240, 18767143)